The following is an entry in ClinVar:

ClinVar aggregate classification (germline): Uncertain significance (1 of 4 stars; one submission).

Conditions:
Ullrich congenital muscular dystrophy 2 (UCMD2). Identifiers: Orphanet 75840, MedGen C4225314, MONDO:0014654, OMIM 616470.
Bethlem myopathy 2 (BTHLM2). Identifiers: Orphanet 536516, Orphanet 610, MedGen C4225313, MONDO:0034022, OMIM 616471.

Submission:

Labcorp Genetics (formerly Invitae), Labcorp
Classification: Uncertain significance for Bethlem myopathy 2; Ullrich congenital muscular dystrophy 2. Last evaluated: 2024-08-11. Review status: criteria provided, single submitter. Criteria: Invitae Variant Classification Sherloc (09022015). Collection method: clinical testing. Allele origin: germline.
Comment: This sequence change replaces alanine, which is neutral and non-polar, with threonine, which is neutral and polar, at codon 1387 of the COL12A1 protein (p.Ala1387Thr). This variant is not present in population databases (gnomAD no frequency). This variant has not been reported in the literature in individuals affected with COL12A1-related conditions. ClinVar contains an entry for this variant (Variation ID: 1059657). Advanced modeling of protein sequence and biophysical properties (such as structural, functional, and spatial information, amino acid conservation, physicochemical variation, residue mobility, and thermodynamic stability) performed at Invitae indicates that this missense variant is not expected to disrupt COL12A1 protein function with a negative predictive value of 80%. In summary, the available evidence is currently insufficient to determine the role of this variant in disease. Therefore, it has been classified as a Variant of Uncertain Significance.

NM_004370.6(COL12A1):c.4159G>A (p.Ala1387Thr)

Gene: COL12A1 (collagen type XII alpha 1 chain; minus strand). Cytogenetic location: 6q13.
Variant type: single nucleotide variant.
Coding change: c.4159G>A on transcript NM_004370.6 (MANE Select); coding-DNA position 4159, G replaced by A.
Protein change: p.Ala1387Thr; replaces alanine 1387 with threonine.
Molecular consequence: missense variant.
Genome position (GRCh38, 1-based): chr6:75,148,486, C>T on the plus strand (G>A on the coding strand, the complement: COL12A1 is on the minus strand). VCF-style: chr6-75148486-C-T. GRCh37 (hg19) VCF-style: chr6-75858202-C-T.
Other names: c.667G>A, p.Ala223Thr (NM_080645.3); short protein forms A1387T, A223T.
Identifiers: ClinVar variation 1059657 (VCV001059657.9), dbSNP rs2149410743, ClinGen allele CA364746072.